The following is an entry in ClinVar:

NM_080680.3(COL11A2):c.171dup (p.Val58fs)

Gene: COL11A2 (collagen type XI alpha 2 chain; minus strand). Cytogenetic location: 6p21.32.
Variant type: Duplication.
Coding change: c.171dup on transcript NM_080680.3 (MANE Select); coding-DNA position 171, one base duplicated (T; older notation c.171dupT).
Protein change: p.Val58fs; shifts the reading frame from valine 58.
Molecular consequence: frameshift variant. On other transcripts: 5 prime UTR variant (3), non-coding transcript variant (1).
Genome position (GRCh38, 1-based): chr6:33,189,381, A duplicated on the plus strand (T on the coding strand, the reverse complement: COL11A2 is on the minus strand). VCF-style (leftmost placement, unchanged base first): chr6-33189380-C-CA. GRCh37 (hg19) VCF-style: chr6-33157157-C-CA.
Other names: c.171dup, p.Val58fs (NM_001163771.2, NM_001424108.1, NM_080679.3 and 1 more transcripts); c.-676dup (NM_001424109.1, NM_001424110.1, NM_001424111.1); short protein forms V58fs.
Identifiers: ClinVar variation 2719856 (VCV002719856.3), dbSNP rs2535559880, ClinGen allele CA2697553262.

ClinVar aggregate classification (germline): Pathogenic (1 of 4 stars; one submission).

Submission:

Labcorp Genetics (formerly Invitae), Labcorp
Classification: Pathogenic. Last evaluated: 2023-06-20. Review status: criteria provided, single submitter. Criteria: Invitae Variant Classification Sherloc (09022015). Collection method: clinical testing. Allele origin: germline.
Comment: For these reasons, this variant has been classified as Pathogenic. This variant has not been reported in the literature in individuals affected with COL11A2-related conditions. This variant is not present in population databases (gnomAD no frequency). This sequence change creates a premature translational stop signal (p.Val58Cysfs*68) in the COL11A2 gene. It is expected to result in an absent or disrupted protein product. Loss-of-function variants in COL11A2 are known to be pathogenic (PMID: 10677296, 21204229).

Literature cited by the submitters: PubMed 10677296; PubMed 21204229.